The following is an entry in ClinVar:

ClinVar aggregate classification (germline): Uncertain significance. Review status: criteria provided, multiple submitters, no conflicts (2 of 4 stars). 2 submissions from 2 submitters: Uncertain significance (2). Last evaluated 2024-01-02.

Conditions:
Cystic fibrosis (CF). Also called: MUCOVISCIDOSIS. Identifiers: Orphanet 586, MedGen C0010674, MONDO:0009061, OMIM 219700. Disease mechanism: loss of function.

Allele frequency attached by ClinVar (database versions not stated): gnomAD 0.00001; gnomAD exomes below 0.00001.
gnomAD v4.1: 2 of 1,613,818 alleles (0.00012%); highest among the groups gnomAD compares: Admixed American, 0.0017%; no homozygotes.

Submissions (2):

Labcorp Genetics (formerly Invitae), Labcorp
Classification: Uncertain significance for Cystic fibrosis. Last evaluated: 2024-01-02. Review status: criteria provided, single submitter. Criteria: Invitae Variant Classification Sherloc (09022015). Collection method: clinical testing. Allele origin: germline.
Comment: This sequence change replaces leucine, which is neutral and non-polar, with valine, which is neutral and non-polar, at codon 240 of the CFTR protein (p.Leu240Val). This variant is not present in population databases (gnomAD no frequency). This variant has not been reported in the literature in individuals affected with CFTR-related conditions. ClinVar contains an entry for this variant (Variation ID: 1757581). Advanced modeling of protein sequence and biophysical properties (such as structural, functional, and spatial information, amino acid conservation, physicochemical variation, residue mobility, and thermodynamic stability) performed at Invitae indicates that this missense variant is not expected to disrupt CFTR protein function with a negative predictive value of 80%. In summary, the available evidence is currently insufficient to determine the role of this variant in disease. Therefore, it has been classified as a Variant of Uncertain Significance.

Ambry Genetics
Classification: Uncertain significance for Cystic fibrosis. Last evaluated: 2022-02-14. Review status: criteria provided, single submitter. Criteria: Ambry Variant Classification Scheme 2023. Collection method: clinical testing. Allele origin: germline.
Comment: The p.L240V variant (also known as c.718C>G), located in coding exon 6 of the CFTR gene, results from a C to G substitution at nucleotide position 718. The leucine at codon 240 is replaced by valine, an amino acid with highly similar properties. This amino acid position is conserved. In addition, the in silico prediction for this alteration is inconclusive. Since supporting evidence is limited at this time, the clinical significance of this alteration remains unclear.

NM_000492.4(CFTR):c.718C>G (p.Leu240Val)

Gene: CFTR (CF transmembrane conductance regulator; plus strand). Cytogenetic location: 7q31.2.
Variant type: single nucleotide variant.
Coding change: c.718C>G on transcript NM_000492.4 (MANE Select); coding-DNA position 718, C replaced by G.
Protein change: p.Leu240Val; replaces leucine 240 with valine.
Molecular consequence: missense variant.
Genome position (GRCh38, 1-based): chr7:117,535,386, C>G. VCF-style: chr7-117535386-C-G. GRCh37 (hg19) VCF-style: chr7-117175440-C-G.
Other names: short protein forms L240V.
Identifiers: ClinVar variation 1757581 (VCV001757581.4), dbSNP rs199865300, ClinGen allele CA164945731.